The following is an entry in ClinVar:

ClinVar aggregate classification (germline): Likely pathogenic (3 of 4 stars; one submission).

Conditions:
Deficiency of guanidinoacetate methyltransferase (CCDS2). Also called: Guanidinoacetate Methyltransferase (GAMT) Deficiency; GAMT DEFICIENCY; CEREBRAL CREATINE DEFICIENCY SYNDROME 2. Identifiers: Orphanet 382, MedGen C0574080, MONDO:0012999, OMIM 612736.

Submission:

ClinGen Cerebral Creatine Deficiency Syndromes Variant Curation Expert Panel, ClinGen
Classification: Likely pathogenic for Deficiency of guanidinoacetate methyltransferase. Last evaluated: 2025-10-07. Review status: reviewed by expert panel. Criteria: ClinGen CCDS ACMG Specifications GAMT V2.0.0. Collection method: curation. Allele origin: germline. Inheritance: Autosomal recessive inheritance.
Comment: The NM_000156.6:595dupG (p.Glu199GlyfsTer68) variant in GAMT is a frameshift variant predicted to cause a premature stop codon in the last exon of the gene and therefore to escape nonsense mediated decay. Less than 10% of the protein is predicted to be removed (PVS1_Moderate). This variant has been detected in one individual with an absent creatine peak on brain MRS and low plasma creatine (PMID: 32606525) (PP4_Moderate). This individual was homozygous for the variant (PMID: 32606525) (0.5pts, PM3_Supporting). This individual had an absent creatine peak on brain MRS (PMID: 32606525) (PP4_Moderate). This variant is absent in gnomAD v4.1.0. (PM2_Supporting). There is a ClinVar entry for this variant (Variation ID: 2570639). In summary, this variant meets the criteria to be classified as likely pathogenic for GAMT deficiency based on the GAMT-specific ACMG/AMP criteria applied, as specified by the ClinGen Cerebral Creatine Deficiency Syndromes Variant Curation Expert Panel (Specifications Version 2.0.0): PVS1_Moderate, PM2_Supporting, PM3_Supporting, PP4_Moderate. (Classification approved by the ClinGen Cerebral Creatine Deficiency Syndromes Variant Curation Expert Panel on October 7, 2025)

NM_000156.6(GAMT):c.595dup (p.Glu199fs)

Gene: GAMT (guanidinoacetate N-methyltransferase; minus strand). Cytogenetic location: 19p13.3.
Variant type: Duplication.
Coding change: c.595dup on transcript NM_000156.6 (MANE Select); coding-DNA position 595, one base duplicated (G; older notation c.595dupG).
Protein change: p.Glu199fs; shifts the reading frame from glutamic acid 199.
Molecular consequence: frameshift variant.
Genome position (GRCh38, 1-based): chr19:1,397,475, C duplicated on the plus strand (G on the coding strand, the reverse complement: GAMT is on the minus strand); the first of 2 consecutive C bases (chr19:1,397,475-1,397,476); duplicating either gives the same sequence. VCF-style (leftmost placement, unchanged base first): chr19-1397474-T-TC. GRCh37 (hg19) VCF-style: chr19-1397473-T-TC.
Other names: NM_000156.6:c.595dup; short protein forms E199fs.
Identifiers: ClinVar variation 2570639 (VCV002570639.2), dbSNP rs2512221442, ClinGen allele CA2579753928.